The following is an entry in ClinVar:

NM_000155.3(GALT):c.-179C>T

Genes: GALT (galactose-1-phosphate uridylyltransferase; plus strand), LOC130001682 (ATAC-STARR-seq lymphoblastoid active region 28313; plus strand). Cytogenetic location: 9p13.3.
Variant type: single nucleotide variant.
Coding change: c.-179C>T on transcript NM_000155.3; 179 bases upstream of the start codon, C replaced by T.
Genome position (GRCh38, 1-based): chr9:34,646,526, C>T. VCF-style: chr9-34646526-C-T. GRCh37 (hg19) VCF-style: chr9-34646523-C-T.
Identifiers: ClinVar variation 1677166 (VCV001677166.3), dbSNP rs62557482, ClinGen allele CA192668851.

ClinVar aggregate classification (germline): Uncertain significance (1 of 4 stars; one submission).

Allele frequency attached by ClinVar (database versions not stated): gnomAD 0.00120 and 0.00125; gnomAD exomes 0.00157; 1000 Genomes Project 0.00040; 1000 Genomes Project 30x 0.00031; TOPMed 0.00129.

Submission:

Women's Health and Genetics/Laboratory Corporation of America, LabCorp
Classification: Uncertain significance. Last evaluated: 2022-03-21. Review status: criteria provided, single submitter. Criteria: LabCorp Variant Classification Summary - May 2015. Collection method: clinical testing. Allele origin: germline.
Comment: Variant summary: GALT c.-179C>T is located in the untranscribed region upstream of the GALT gene region. The variant allele was found at a frequency of 0.0012 in 31388 control chromosomes, predominantly at a frequency of 0.002 within the Non-Finnish European subpopulation in the gnomAD database (Genomes data). The available data on variant occurrences in the general population are insufficient to allow any conclusion about variant significance. To our knowledge, no occurrence of c.-179C>T in individuals affected with Galactosemia and no experimental evidence demonstrating its impact on protein function have been reported. No clinical diagnostic laboratories have submitted clinical-significance assessments for this variant to ClinVar after 2014. Based on the evidence outlined above, the variant was classified as uncertain significance.